The following is an entry in ClinVar:

NM_007315.4(STAT1):c.*154T>C

Gene: STAT1 (signal transducer and activator of transcription 1; minus strand). Cytogenetic location: 2q32.2.
Variant type: single nucleotide variant.
Coding change: c.*154T>C on transcript NM_007315.4 (MANE Select); 154 bases downstream of the stop codon, T replaced by C.
Molecular consequence: 3 prime UTR variant.
Genome position (GRCh38, 1-based): chr2:190,970,549, A>G on the plus strand (T>C on the coding strand, the complement: STAT1 is on the minus strand). VCF-style: chr2-190970549-A-G. GRCh37 (hg19) VCF-style: chr2-191835275-A-G.
Other names: c.*154T>C (NM_001384880.1, NM_001384881.1, NM_001384882.1 and 9 more transcripts).
Identifiers: ClinVar variation 333263 (VCV000333263.6), dbSNP rs41481847, ClinGen allele CA10613606.

ClinVar aggregate classification (germline): Benign. Review status: criteria provided, multiple submitters, no conflicts (2 of 4 stars). 2 submissions from 2 submitters: Benign (2). Last evaluated 2018-01-13.

Conditions:
Mendelian susceptibility to mycobacterial diseases due to partial STAT1 deficiency. Also called: IMMUNODEFICIENCY 31A, MYCOBACTERIOSIS, AUTOSOMAL DOMINANT; STAT1 DEFICIENCY, AUTOSOMAL DOMINANT; Immunodeficiency 31a. Identifiers: Orphanet 319595, MedGen C4013950, MONDO:0013956, OMIM 614892.

Allele frequency attached by ClinVar (database versions not stated): gnomAD exomes 0.01400; 1000 Genomes Project 30x 0.00437; gnomAD 0.01102 and 0.01141; 1000 Genomes Project 0.00379; TOPMed 0.00884.
gnomAD v4.1: 10,721 of 798,466 alleles (1.3%); highest among the groups gnomAD compares: Non-Finnish European, 1.6%; 111 homozygotes.

Submissions (2):

Illumina Laboratory Services, Illumina
Classification: Benign for Mendelian susceptibility to mycobacterial diseases due to partial STAT1 deficiency. Last evaluated: 2018-01-13. Review status: criteria provided, single submitter. Criteria: ICSL Variant Classification Criteria 13 December 2019. Collection method: clinical testing. Allele origin: germline.
Comment: This variant was observed in the ICSL laboratory as part of a predisposition screen in an ostensibly healthy population. It had not been previously curated by ICSL or reported in the Human Gene Mutation Database (HGMD: prior to June 1st, 2018), and was therefore a candidate for classification through an automated scoring system. Utilizing variant allele frequency, disease prevalence and penetrance estimates, and inheritance mode, an automated score was calculated to assess if this variant is too frequent to cause the disease. Based on the score and internal cut-off values, a variant classified as benign is not then subjected to further curation. The score for this variant resulted in a classification of benign for this disease.

Breakthrough Genomics
Classification: Benign. Review status: criteria provided, single submitter. Criteria: ACMG Guidelines, 2015. Collection method: not provided. Allele origin: germline. Inheritance: Autosomal recessive inheritance. Affected: yes.